The following is an entry in ClinVar:

ClinVar aggregate classification (germline): Uncertain significance (1 of 4 stars; one submission).

Conditions:
Generalized epilepsy-paroxysmal dyskinesia syndrome (PNKD3). Also called: Paroxysmal nonkinesigenic dyskinesia, 3, with or without generalized epilepsy; Generalized epilepsy and paroxysmal dyskinesia. Identifiers: Orphanet 79137, MedGen C5574945, MONDO:0012276, OMIM 609446.

Allele frequency attached by ClinVar (database versions not stated): gnomAD exomes below 0.00001.
gnomAD v4.1: 1 of 1,612,954 alleles (0.000062%); highest among the groups gnomAD compares: Non-Finnish European, 0.000085%; no homozygotes.

Submission:

Labcorp Genetics (formerly Invitae), Labcorp
Classification: Uncertain significance for Generalized epilepsy-paroxysmal dyskinesia syndrome. Last evaluated: 2024-12-10. Review status: criteria provided, single submitter. Criteria: Invitae Variant Classification Sherloc (09022015). Collection method: clinical testing. Allele origin: germline.
Comment: This sequence change replaces methionine, which is neutral and non-polar, with isoleucine, which is neutral and non-polar, at codon 219 of the KCNMA1 protein (p.Met219Ile). This variant is not present in population databases (gnomAD no frequency). This missense change has been observed in individual(s) with clinical features of KCNMA1-related conditions (internal data). ClinVar contains an entry for this variant (Variation ID: 1042628). Invitae Evidence Modeling of protein sequence and biophysical properties (such as structural, functional, and spatial information, amino acid conservation, physicochemical variation, residue mobility, and thermodynamic stability) indicates that this missense variant is not expected to disrupt KCNMA1 protein function with a negative predictive value of 80%. In summary, the available evidence is currently insufficient to determine the role of this variant in disease. Therefore, it has been classified as a Variant of Uncertain Significance.

NM_001161352.2(KCNMA1):c.657G>A (p.Met219Ile)

Gene: KCNMA1 (potassium calcium-activated channel subfamily M alpha 1; minus strand). Cytogenetic location: 10q22.3.
Variant type: single nucleotide variant.
Coding change: c.657G>A on transcript NM_001161352.2 (MANE Select); coding-DNA position 657, G replaced by A.
Protein change: p.Met219Ile; replaces methionine 219 with isoleucine.
Molecular consequence: missense variant.
Genome position (GRCh38, 1-based): chr10:77,184,862, C>T on the plus strand (G>A on the coding strand, the complement: KCNMA1 is on the minus strand). VCF-style: chr10-77184862-C-T. GRCh37 (hg19) VCF-style: chr10-78944620-C-T.
Other names: c.657G>A, p.Met219Ile (NM_001014797.3, NM_001161353.2, NM_001271519.2 and 7 more transcripts); c.495G>A, p.Met165Ile (NM_001271518.2); c.117G>A, p.Met39Ile (NM_001322838.2); short protein forms M165I, M39I, M219I.
Identifiers: ClinVar variation 1042628 (VCV001042628.12), dbSNP rs2098835683, ClinGen allele CA377410619.
Genomic context (GRCh38, chr10:77,184,862, plus strand): 5'-AACAATGTTGCACAAACTTACCCGCAAGCCGAAGTAGAGAAGGAAGAACACGTTGAAAGC[C>T]ATGTCGATCTGTAATGTGAAATCTTTGTAGAAATTCTGGCAGGATTCTATTGGGCTATTA-3'
Protein context (NP_001154824.1, residues 209-229): FYKDFTLQID[Met219Ile]AFNVFFLLYF